The following is an entry in ClinVar:

NM_000111.3(SLC26A3):c.874A>G (p.Ile292Val)

Gene: SLC26A3 (solute carrier family 26 member 3; minus strand). Cytogenetic location: 7q22.3.
Variant type: single nucleotide variant.
Coding change: c.874A>G on transcript NM_000111.3 (MANE Select); coding-DNA position 874, A replaced by G.
Protein change: p.Ile292Val; replaces isoleucine 292 with valine.
Molecular consequence: missense variant.
Genome position (GRCh38, 1-based): chr7:107,787,371, T>C on the plus strand (A>G on the coding strand, the complement: SLC26A3 is on the minus strand). VCF-style: chr7-107787371-T-C. GRCh37 (hg19) VCF-style: chr7-107427816-T-C.
Other names: short protein forms I292V.
Identifiers: ClinVar variation 3341457 (VCV003341457.2).

ClinVar aggregate classification (germline): Uncertain significance. Review status: criteria provided, multiple submitters, no conflicts (2 of 4 stars). 2 submissions from 2 submitters: Uncertain significance (2). Last evaluated 2025-12-15.

Conditions:
Congenital secretory diarrhea, chloride type (DIAR1). Also called: DIARRHEA 1, SECRETORY CHLORIDE, CONGENITAL; CHLORIDORRHEA, CONGENITAL; CHLORIDE DIARRHEA, CONGENITAL, FINNISH TYPE. Identifiers: Orphanet 53689, MedGen C0267662, MONDO:0008964, OMIM 214700.
Inborn genetic diseases. Identifiers: MedGen C0950123, MeSH D030342.

gnomAD v4.1: 8 of 1,613,928 alleles (0.0005%); highest among the groups gnomAD compares: South Asian, 0.0033%; no homozygotes.

Submissions (2):

Ambry Genetics
Classification: Uncertain significance for Inborn genetic diseases. Last evaluated: 2025-12-15. Review status: criteria provided, single submitter. Criteria: Ambry Variant Classification Scheme 2023. Collection method: clinical testing. Allele origin: germline.

Neuberg Centre For Genomic Medicine, NCGM
Classification: Uncertain significance for Congenital secretory diarrhea, chloride type. Last evaluated: 2023-05-20. Review status: criteria provided, single submitter. Criteria: ACMG Guidelines, 2015. Collection method: clinical testing. Allele origin: germline. Inheritance: Autosomal recessive inheritance. Affected: yes.
Comment: The observed missense c.874A>G (p.Ile292Val) variant in SLC26A3 gene has not been reported previously as a pathogenic variant nor as a benign variant, to our knowledge. This variant is present with allele frequency of 0.0008% in the gnomAD Exomes. This variant has not been submitted to the ClinVar database. Computational evidence (Polyphen - Probably Damaging, SIFT - Tolerated and MutationTaster - Disease Causing) predicts conflicting evidence on protein structure and function for this variant. The amino acid change p.Ile292Val in SLC26A3 is predicted as conserved by GERP++ and PhyloP across 100 vertebrates. The amino acid Ile at position 292 is changed to a Val changing protein sequence and it might alter its composition and physico-chemical properties. For these reasons, this variant has been classified as a Variant of Uncertain Significance (VUS).